The following is an entry in ClinVar:

ClinVar aggregate classification (germline): Pathogenic/Likely pathogenic. Review status: criteria provided, multiple submitters, no conflicts (2 of 4 stars). 3 submissions from 3 submitters: Pathogenic (2); Likely pathogenic (1). Last evaluated 2025-06-23.

Conditions:
Glutaric aciduria, type 1. Also called: Glutaricaciduria, type I; Glutaryl-CoA dehydrogenase deficiency; Glutaric acidemia type I; GA I; Glutaricacidemia Type 1; Glutaric Acidemia Type 1. Identifiers: Orphanet 25, MedGen C0268595, MONDO:0009281, OMIM 231670.

Submissions (3):

Natera, Inc.
Classification: Pathogenic for Glutaric acidemia type 1. Last evaluated: 2025-06-23. Review status: criteria provided, single submitter. Criteria: Natera Variant Classification Schema (03/2026). Collection method: clinical testing. Allele origin: germline.
Comment: The c.1A>G variant in GCDH is predicted to result in start loss due to disruption of the initiator methionine. This variant is expected to result in nonsense mediated decay, truncation, or a dysfunctional protein product. This variant is rare in the general population with a frequency below the threshold expected for the associated phenotype(s). This variant has been observed in one or more individuals affected with the associated recessive disease, as either homozygous or compound heterozygous with a second variant (PMID: 17622945, 29665094). Given the available evidence, this variant is classified as Pathogenic.

Fulgent Genetics
Classification: Likely pathogenic for Glutaric aciduria, type 1. Last evaluated: 2024-02-22. Review status: criteria provided, single submitter. Criteria: ACMG Guidelines, 2015. Collection method: clinical testing. Allele origin: germline.

GeneDx
Classification: Pathogenic. Last evaluated: 2023-03-02. Review status: criteria provided, single submitter. Criteria: GeneDx Variant Classification Process June 2021. Collection method: clinical testing. Allele origin: germline. Affected: yes.
Comment: Initiation codon variant in a gene for which loss of function is a known mechanism of disease; Not observed at significant frequency in large population cohorts (gnomAD); This variant is associated with the following publications: (PMID: 17622945, 29665094)

Literature cited by the submitters: PubMed 17622945 (cited by Natera, Inc.); PubMed 29665094 (cited by Natera, Inc.).

NM_000159.4(GCDH):c.1A>G (p.Met1Val)

Genes: GCDH (glutaryl-CoA dehydrogenase; plus strand), LOC117125594 (CRISPRi-FlowFISH-validated KLF1 regulatory element; plus strand). Cytogenetic location: 19p13.13.
Variant type: single nucleotide variant.
Coding change: c.1A>G on transcript NM_000159.4 (MANE Select); coding-DNA position 1, A replaced by G.
Protein change: p.Met1Val; changes the start codon (methionine 1).
Molecular consequence: missense variant, initiator codon variant. On other transcripts: non-coding transcript variant (2).
Genome position (GRCh38, 1-based): chr19:12,891,305, A>G. VCF-style: chr19-12891305-A-G. GRCh37 (hg19) VCF-style: chr19-13002119-A-G.
Other names: c.1A>G, p.Met1Val (NM_013976.5); c.1A>G (NM_000159.3); short protein forms M1V.
Identifiers: ClinVar variation 2577569 (VCV002577569.4), dbSNP rs1197426645, ClinGen allele CA404312893.
Genomic context (GRCh38, chr19:12,891,305, plus strand): 5'-CCGCTCTGACACCCCCGCTCCTGTAGGTCGCCGTCGTTGCTCCGCTCGCTCTGAGAGAGC[A>G]TGGCCCTGAGAGGCGTCTCCGTGCGGCTGCTGAGCCGCGGACCCGGCCTGCACGTCCTTC-3'
Protein context (NP_000150.1, residues 1-11): [Met1Val]ALRGVSVRLL